The following is an entry in ClinVar:

NM_004836.7(EIF2AK3):c.3029T>G (p.Leu1010Ter)

Genes: EIF2AK3 (eukaryotic translation initiation factor 2 alpha kinase 3; minus strand), EIF2AK3-AS1 (EIF2AK3 antisense RNA 1; plus strand). Cytogenetic location: 2p11.2.
Variant type: single nucleotide variant.
Coding change: c.3029T>G on transcript NM_004836.7 (MANE Select); coding-DNA position 3029, T replaced by G.
Protein change: p.Leu1010Ter; replaces leucine 1010 with a stop codon.
Molecular consequence: nonsense.
Genome position (GRCh38, 1-based): chr2:88,562,347, A>C on the plus strand (T>G on the coding strand, the complement: EIF2AK3 is on the minus strand). VCF-style: chr2-88562347-A-C. GRCh37 (hg19) VCF-style: chr2-88861865-A-C.
Other names: c.2576T>G, p.Leu859Ter (NM_001313915.2); short protein forms L859*, L1010*.
Identifiers: ClinVar variation 2697767 (VCV002697767.3), dbSNP rs754345067, ClinGen allele CA347585308.
Genomic context (GRCh38, chr2:88,562,347, plus strand): 5'-ACCCTGACTCTCTCCATCTGAGTGCTGAATGGATACAGCAATTCAAATAGAATCAGGCCT[A>C]AAGAAAAGATGTCCACTTTATGAGAATAGCTGTTTCCATGAATCTGAAATCCCACATAAA-3'

ClinVar aggregate classification (germline): Pathogenic (1 of 4 stars; one submission).

Submission:

Labcorp Genetics (formerly Invitae), Labcorp
Classification: Pathogenic. Last evaluated: 2023-06-07. Review status: criteria provided, single submitter. Criteria: Invitae Variant Classification Sherloc (09022015). Collection method: clinical testing. Allele origin: germline.
Comment: This variant is not present in population databases (gnomAD no frequency). This sequence change creates a premature translational stop signal (p.Leu1010*) in the EIF2AK3 gene. It is expected to result in an absent or disrupted protein product. Loss-of-function variants in EIF2AK3 are known to be pathogenic (PMID: 11997520). This variant has not been reported in the literature in individuals affected with EIF2AK3-related conditions. For these reasons, this variant has been classified as Pathogenic. Algorithms developed to predict the effect of sequence changes on RNA splicing suggest that this variant may disrupt the consensus splice site.

Literature cited by the submitters: PubMed 11997520.